The following is an entry in ClinVar:

NM_213618.2(DENND2B):c.825G>T (p.Arg275Ser)

Gene: DENND2B (DENN domain containing 2B; minus strand). Cytogenetic location: 11p15.4.
Variant type: single nucleotide variant.
Coding change: c.825G>T on transcript NM_213618.2 (MANE Select); coding-DNA position 825, G replaced by T.
Protein change: p.Arg275Ser; replaces arginine 275 with serine.
Molecular consequence: missense variant. On other transcripts: non-coding transcript variant (6), intron variant (7).
Genome position (GRCh38, 1-based): chr11:8,730,465, C>A on the plus strand (G>T on the coding strand, the complement: DENND2B is on the minus strand). VCF-style: chr11-8730465-C-A. GRCh37 (hg19) VCF-style: chr11-8752012-C-A.
Other names: c.825G>T, p.Arg275Ser (NM_001376495.1, NM_001376496.1, NM_001376497.1 and 2 more transcripts); c.285G>T, p.Arg95Ser (NM_001376499.1); c.144G>T, p.Arg48Ser (NM_001376500.1); c.81-4256G>T (NM_139157.3, NM_001376504.1, NM_001376503.1 and 2 more transcripts); c.-107-12573G>T (NM_001376505.1); c.-244-4256G>T (NM_001376506.1); short protein forms R48S, R95S, R275S.
Identifiers: ClinVar variation 2672459 (VCV002672459.23), dbSNP rs538991164, ClinGen allele CA379584199.

ClinVar aggregate classification (germline): Uncertain significance (1 of 4 stars; one submission).

gnomAD v4.1: 3 of 1,611,552 alleles (0.00019%); highest among the groups gnomAD compares: Non-Finnish European, 0.00025%; no homozygotes.

Submission:

CeGaT Center for Human Genetics Tuebingen
Classification: Uncertain significance. Last evaluated: 2023-11-01. Review status: criteria provided, single submitter. Criteria: CeGaT Center For Human Genetics Tuebingen Variant Classification Criteria Version 2. Collection method: clinical testing. Allele origin: germline. Affected: yes. Observed: 1 variant allele.
Comment: DENND2B: PM2, BP4